The following is an entry in ClinVar:

NM_206937.2(LIG4):c.915T>C (p.Ser305=)

Gene: LIG4 (DNA ligase 4; minus strand). Cytogenetic location: 13q33.3.
Variant type: single nucleotide variant.
Coding change: c.915T>C on transcript NM_206937.2 (MANE Select); coding-DNA position 915, T replaced by C.
Protein change: p.Ser305=; no amino-acid change (serine 305 retained).
Molecular consequence: synonymous variant.
Genome position (GRCh38, 1-based): chr13:108,210,354, A>G on the plus strand (T>C on the coding strand, the complement: LIG4 is on the minus strand). VCF-style: chr13-108210354-A-G. GRCh37 (hg19) VCF-style: chr13-108862702-A-G.
Other names: p.Ser305=; c.915T>C, p.Ser305= (NM_001098268.2, NM_001352598.2, NM_001352599.2 and 6 more transcripts); c.714T>C, p.Ser238= (NM_001330595.2); c.951T>C, p.Ser317= (NM_001352604.2).
Identifiers: ClinVar variation 310987 (VCV000310987.17), dbSNP rs2232639, ClinGen allele CA7043778.

ClinVar aggregate classification (germline): Benign. Review status: criteria provided, multiple submitters, no conflicts (2 of 4 stars). 6 submissions from 5 submitters: Benign (6). Last evaluated 2026-02-01.

Conditions:
DNA ligase IV deficiency. Identifiers: Orphanet 99812, MedGen C1847827, MONDO:0011686, OMIM 606593.
Severe combined immunodeficiency due to DCLRE1C deficiency (RS-SCID). Also called: SCID, AUTOSOMAL RECESSIVE, T CELL-NEGATIVE, B CELL-NEGATIVE, NK CELL-POSITIVE, WITH SENSITIVITY TO IONIZING RADIATION. Identifiers: Orphanet 275, MedGen C1865371, MONDO:0011225, OMIM 602450.

Allele frequency attached by ClinVar (database versions not stated): ExAC 0.00161; ESP Exome Variant Server 0.00438; gnomAD 0.00488 and 0.00524; gnomAD exomes 0.00128 and 0.00046; TOPMed 0.00549; 1000 Genomes Project 30x 0.00734; 1000 Genomes Project 0.00619.
gnomAD v4.1: 1,456 of 1,613,936 alleles (0.09%); highest among the groups gnomAD compares: African/African-American, 1.7%; 11 homozygotes.

Submissions (6):

Labcorp Genetics (formerly Invitae), Labcorp
Classification: Benign for DNA ligase IV deficiency. Last evaluated: 2026-02-01. Review status: criteria provided, single submitter. Criteria: Invitae Variant Classification Sherloc (09022015). Collection method: clinical testing. Allele origin: germline.

Mayo Clinic Laboratories, Mayo Clinic
Classification: Benign. Last evaluated: 2019-12-27. Review status: criteria provided, single submitter. Criteria: ACMG Guidelines, 2015. Collection method: clinical testing. Allele origin: germline. Observed: 2 variant alleles.

Illumina Laboratory Services, Illumina
Classification: Benign for Severe combined immunodeficiency due to DCLRE1C deficiency. Last evaluated: 2018-01-13. Review status: criteria provided, single submitter. Criteria: ICSL Variant Classification Criteria 13 December 2019. Collection method: clinical testing. Allele origin: germline.
Comment: This variant was observed in the ICSL laboratory as part of a predisposition screen in an ostensibly healthy population. It had not been previously curated by ICSL or reported in the Human Gene Mutation Database (HGMD: prior to June 1st, 2018), and was therefore a candidate for classification through an automated scoring system. Utilizing variant allele frequency, disease prevalence and penetrance estimates, and inheritance mode, an automated score was calculated to assess if this variant is too frequent to cause the disease. Based on the score and internal cut-off values, a variant classified as benign is not then subjected to further curation. The score for this variant resulted in a classification of benign for this disease.

Illumina Laboratory Services, Illumina
Classification: Benign for DNA ligase IV deficiency. Last evaluated: 2018-01-13. Review status: criteria provided, single submitter. Criteria: ICSL Variant Classification Criteria 13 December 2019. Collection method: clinical testing. Allele origin: germline.
Comment: the same text as in the submission from Illumina Laboratory Services, Illumina above.

GeneDx
Classification: Benign. Last evaluated: 2015-07-22. Review status: criteria provided, single submitter. Criteria: GeneDx Variant Classification (06012015). Collection method: clinical testing. Allele origin: germline. Affected: yes.
Comment: This variant is considered likely benign or benign based on one or more of the following criteria: it is a conservative change, it occurs at a poorly conserved position in the protein, it is predicted to be benign by multiple in silico algorithms, and/or has population frequency not consistent with disease.

Breakthrough Genomics
Classification: Benign. Review status: criteria provided, single submitter. Criteria: ACMG Guidelines, 2015. Collection method: not provided. Allele origin: germline. Inheritance: Autosomal recessive inheritance. Affected: yes.